The following is an entry in ClinVar:

ClinVar aggregate classification (germline): Uncertain significance (1 of 4 stars; one submission).

Allele frequency attached by ClinVar (database versions not stated): TOPMed below 0.00001; gnomAD 0.00001 and 0.00002; gnomAD exomes 0.00001; ExAC 0.00002.
gnomAD v4.1: 23 of 1,609,788 alleles (0.0014%); highest among the groups gnomAD compares: Non-Finnish European, 0.002%; no homozygotes.

Submission:

Labcorp Genetics (formerly Invitae), Labcorp
Classification: Uncertain significance. Last evaluated: 2024-10-15. Review status: criteria provided, single submitter. Criteria: Invitae Variant Classification Sherloc (09022015). Collection method: clinical testing. Allele origin: germline.
Comment: This sequence change falls in intron 20 of the PDE2A gene. It does not directly change the encoded amino acid sequence of the PDE2A protein. It affects a nucleotide within the consensus splice site. This variant is present in population databases (rs752725427, gnomAD 0.004%). This variant has not been reported in the literature in individuals affected with PDE2A-related conditions. ClinVar contains an entry for this variant (Variation ID: 1519302). Variants that disrupt the consensus splice site are a relatively common cause of aberrant splicing (PMID: 17576681, 9536098). Algorithms developed to predict the effect of sequence changes on RNA splicing suggest that this variant is not likely to affect RNA splicing. In summary, the available evidence is currently insufficient to determine the role of this variant in disease. Therefore, it has been classified as a Variant of Uncertain Significance.

Literature cited by the submitters: PubMed 17576681; PubMed 9536098.

NM_002599.5(PDE2A):c.1729-3T>C

Gene: PDE2A (phosphodiesterase 2A; minus strand). Cytogenetic location: 11q13.4.
Variant type: single nucleotide variant.
Coding change: c.1729-3T>C on transcript NM_002599.5 (MANE Select); 3 bases into the intron before coding-DNA position 1729, T replaced by C.
Molecular consequence: intron variant.
Genome position (GRCh38, 1-based): chr11:72,582,569, A>G on the plus strand (T>C on the coding strand, the complement: PDE2A is on the minus strand). VCF-style: chr11-72582569-A-G. GRCh37 (hg19) VCF-style: chr11-72293613-A-G.
Other names: c.1702-3T>C (NM_001146209.3); c.1708-3T>C (NM_001143839.4); c.1666-3T>C (NM_001243784.2).
Identifiers: ClinVar variation 1519302 (VCV001519302.6), dbSNP rs752725427, ClinGen allele CA6172053.